The following is an entry in ClinVar:

ClinVar aggregate classification (germline): Uncertain significance (1 of 4 stars; one submission).

gnomAD v4.1: 1 of 1,610,846 alleles (0.000062%); highest among the groups gnomAD compares: Middle Eastern, 0.02%; no homozygotes.

Submission:

Ambry Genetics
Classification: Uncertain significance. Last evaluated: 2026-05-15. Review status: criteria provided, single submitter. Criteria: Ambry Variant Classification Scheme 2023. Collection method: clinical testing. Allele origin: germline.
Comment: The p.G1983S variant (also known as c.5947G>A), located in coding exon 24 of the WNK2 gene, results from a G to A substitution at nucleotide position 5947. The glycine at codon 1983 is replaced by serine, an amino acid with similar properties. This amino acid position is conserved. In addition, this alteration is predicted to be tolerated by in silico analysis. Based on the available evidence, the clinical significance of this variant remains unclear.

NM_006648.4(WNK2):c.5947G>A (p.Gly1983Ser)

Gene: WNK2 (WNK lysine deficient protein kinase 2; plus strand). Cytogenetic location: 9q22.31.
Variant type: single nucleotide variant.
Coding change: c.5947G>A on transcript NM_006648.4 (MANE Select); coding-DNA position 5947, G replaced by A.
Protein change: p.Gly1983Ser; replaces glycine 1983 with serine.
Molecular consequence: missense variant.
Genome position (GRCh38, 1-based): chr9:93,299,093, G>A. VCF-style: chr9-93299093-G-A. GRCh37 (hg19) VCF-style: chr9-96061375-G-A.
Other names: c.6058G>A, p.Gly2020Ser (NM_001282394.3); short protein forms G1983S, G2020S.
Identifiers: ClinVar variation 4866671 (VCV004866671.1).